The following is an entry in ClinVar:

ClinVar aggregate classification (germline): Uncertain significance. Review status: criteria provided, multiple submitters, no conflicts (2 of 4 stars). 3 submissions from 3 submitters: Uncertain significance (3). Last evaluated 2025-10-31.

Conditions:
Endometrial carcinoma. Also called: Endometrial carcinoma, somatic. Identifiers: MedGen C0476089, MONDO:0002447, OMIM 608089, HP:0012114.
Hereditary cancer-predisposing syndrome. Also called: Neoplastic Syndromes, Hereditary; Tumor predisposition; Hereditary neoplastic syndrome; Hereditary Cancer Syndrome. Identifiers: Orphanet 140162, MedGen C0027672, MeSH D009386, MONDO:0015356.

gnomAD v4.1: 3 of 1,612,804 alleles (0.00019%); highest among the groups gnomAD compares: East Asian, 0.0022%; no homozygotes.

Submissions (3):

Labcorp Genetics (formerly Invitae), Labcorp
Classification: Uncertain significance. Last evaluated: 2025-10-31. Review status: criteria provided, single submitter. Criteria: Invitae Variant Classification Sherloc (09022015). Collection method: clinical testing. Allele origin: germline.
Comment: This sequence change replaces glycine, which is neutral and non-polar, with serine, which is neutral and polar, at codon 940 of the MSH3 protein (p.Gly940Ser). This variant is present in population databases (no rsID available, gnomAD 0.01%). This variant has not been reported in the literature in individuals affected with MSH3-related conditions. ClinVar contains an entry for this variant (Variation ID: 3239778). An algorithm developed to predict the effect of missense changes on protein structure and function (PolyPhen-2) suggests that this variant is likely to be disruptive. In summary, the available evidence is currently insufficient to determine the role of this variant in disease. Therefore, it has been classified as a Variant of Uncertain Significance.

Ambry Genetics
Classification: Uncertain significance for Hereditary cancer-predisposing syndrome. Last evaluated: 2024-04-05. Review status: criteria provided, single submitter. Criteria: Ambry Variant Classification Scheme 2023. Collection method: clinical testing. Allele origin: germline.
Comment: The p.G940S variant (also known as c.2818G>A), located in coding exon 21 of the MSH3 gene, results from a G to A substitution at nucleotide position 2818. The glycine at codon 940 is replaced by serine, an amino acid with similar properties. This amino acid position is conserved. In addition, this alteration is predicted to be deleterious by in silico analysis. Based on the available evidence, the clinical significance of this variant remains unclear.

Baylor Genetics
Classification: Uncertain significance for Endometrial carcinoma. Last evaluated: 2023-12-19. Review status: criteria provided, single submitter. Criteria: ACMG Guidelines, 2015. Collection method: clinical testing. Allele origin: unknown.

NM_002439.5(MSH3):c.2818G>A (p.Gly940Ser)

Gene: MSH3 (mutS homolog 3; plus strand). Cytogenetic location: 5q14.1.
Variant type: single nucleotide variant.
Coding change: c.2818G>A on transcript NM_002439.5 (MANE Select); coding-DNA position 2818, G replaced by A.
Protein change: p.Gly940Ser; replaces glycine 940 with serine.
Molecular consequence: missense variant.
Genome position (GRCh38, 1-based): chr5:80,854,134, G>A. VCF-style: chr5-80854134-G-A. GRCh37 (hg19) VCF-style: chr5-80149953-G-A.
Other names: c.2818G>A (NM_002439.3); short protein forms G940S.
Identifiers: ClinVar variation 3239778 (VCV003239778.3), dbSNP rs763614470.